The following is an entry in ClinVar:

NM_000428.3(LTBP2):c.3374G>A (p.Arg1125Gln)

Gene: LTBP2 (latent transforming growth factor beta binding protein 2; minus strand). Cytogenetic location: 14q24.3.
Variant type: single nucleotide variant.
Coding change: c.3374G>A on transcript NM_000428.3 (MANE Select); coding-DNA position 3374, G replaced by A.
Protein change: p.Arg1125Gln; replaces arginine 1125 with glutamine.
Molecular consequence: missense variant.
Genome position (GRCh38, 1-based): chr14:74,509,267, C>T on the plus strand (G>A on the coding strand, the complement: LTBP2 is on the minus strand). VCF-style: chr14-74509267-C-T. GRCh37 (hg19) VCF-style: chr14-74975970-C-T.
Other names: short protein forms R1125Q.
Identifiers: ClinVar variation 1491286 (VCV001491286.5), dbSNP rs1300214460, ClinGen allele CA390389171.

ClinVar aggregate classification (germline): Uncertain significance (1 of 4 stars; one submission).

Allele frequency attached by ClinVar (database versions not stated): gnomAD 0.00001; TOPMed 0.00001.
gnomAD v4.1: 6 of 1,613,492 alleles (0.00037%); highest among the groups gnomAD compares: East Asian, 0.0022%; no homozygotes.

Submission:

Labcorp Genetics (formerly Invitae), Labcorp
Classification: Uncertain significance. Last evaluated: 2022-08-16. Review status: criteria provided, single submitter. Criteria: Invitae Variant Classification Sherloc (09022015). Collection method: clinical testing. Allele origin: germline.
Comment: This variant has not been reported in the literature in individuals affected with LTBP2-related conditions. This sequence change replaces arginine, which is basic and polar, with glutamine, which is neutral and polar, at codon 1125 of the LTBP2 protein (p.Arg1125Gln). This variant is not present in population databases (gnomAD no frequency). ClinVar contains an entry for this variant (Variation ID: 1491286). Algorithms developed to predict the effect of missense changes on protein structure and function output the following: SIFT: "Tolerated"; PolyPhen-2: "Benign"; Align-GVGD: "Class C0". The glutamine amino acid residue is found in multiple mammalian species, which suggests that this missense change does not adversely affect protein function. In summary, the available evidence is currently insufficient to determine the role of this variant in disease. Therefore, it has been classified as a Variant of Uncertain Significance.